The following is an entry in ClinVar:

NM_015231.3(NUP160):c.3499C>T (p.Pro1167Ser)

Gene: NUP160 (nucleoporin 160; minus strand). Cytogenetic location: 11p11.2.
Variant type: single nucleotide variant.
Coding change: c.3499C>T on transcript NM_015231.3 (MANE Select); coding-DNA position 3499, C replaced by T.
Protein change: p.Pro1167Ser; replaces proline 1167 with serine.
Molecular consequence: missense variant. On other transcripts: non-coding transcript variant (1).
Genome position (GRCh38, 1-based): chr11:47,788,522, G>A on the plus strand (C>T on the coding strand, the complement: NUP160 is on the minus strand). VCF-style: chr11-47788522-G-A. GRCh37 (hg19) VCF-style: chr11-47810074-G-A.
Other names: short protein forms P1167S.
Identifiers: ClinVar variation 2043944 (VCV002043944.1), dbSNP rs141812661, ClinGen allele CA5980651.

ClinVar aggregate classification (germline): Uncertain significance (1 of 4 stars; one submission).

Allele frequency attached by ClinVar (database versions not stated): 1000 Genomes Project 30x 0.00016; 1000 Genomes Project 0.00020; gnomAD 0.00057; TOPMed 0.00060; ExAC 0.00071; ESP Exome Variant Server 0.00092; gnomAD exomes 0.00092.
gnomAD v4.1: 1,454 of 1,613,600 alleles (0.09%); highest among the groups gnomAD compares: Non-Finnish European, 0.11%; 3 homozygotes.

Submission:

Labcorp Genetics (formerly Invitae), Labcorp
Classification: Uncertain significance. Last evaluated: 2022-06-01. Review status: criteria provided, single submitter. Criteria: Invitae Variant Classification Sherloc (09022015). Collection method: clinical testing. Allele origin: germline.
Comment: This sequence change replaces proline, which is neutral and non-polar, with serine, which is neutral and polar, at codon 1201 of the NUP160 protein (p.Pro1201Ser). This variant is present in population databases (rs141812661, gnomAD 0.1%), and has an allele count higher than expected for a pathogenic variant. This variant has not been reported in the literature in individuals affected with NUP160-related conditions. Algorithms developed to predict the effect of missense changes on protein structure and function output the following: SIFT: "Not Available"; PolyPhen-2: "Benign"; Align-GVGD: "Not Available". The serine amino acid residue is found in multiple mammalian species, which suggests that this missense change does not adversely affect protein function. In summary, the available evidence is currently insufficient to determine the role of this variant in disease. Therefore, it has been classified as a Variant of Uncertain Significance.